The following is an entry in ClinVar:

ClinVar aggregate classification (germline): Uncertain significance. Review status: criteria provided, multiple submitters, no conflicts (2 of 4 stars). 3 submissions from 3 submitters: Uncertain significance (3). Last evaluated 2025-09-14.

Conditions:
Cardiovascular phenotype. Identifiers: MedGen CN230736.
Arrhythmogenic cardiomyopathy with wooly hair and keratoderma. Also called: Dilated cardiomyopathy with woolly hair and keratoderma; Arrhythmogenic cardiomyopathy with woolly hair and keratoderma; PALMOPLANTAR KERATODERMA WITH LEFT VENTRICULAR CARDIOMYOPATHY AND WOOLLY HAIR; Carvajal syndrome. Identifiers: Orphanet 65282, MedGen C1854063, MONDO:0011581, OMIM 605676.
Arrhythmogenic right ventricular dysplasia 8 (ARVD8). Also called: Arrhythmogenic Right Ventricular Dysplasia/Cardiomyopathy 8; ARRHYTHMOGENIC RIGHT VENTRICULAR DYSPLASIA, FAMILIAL, 8; ARRHYTHMOGENIC RIGHT VENTRICULAR CARDIOMYOPATHY 8. Identifiers: MedGen C1843896, MONDO:0011831, OMIM 607450.

Allele frequency attached by ClinVar (database versions not stated): gnomAD exomes below 0.00001.
gnomAD v4.1: 1 of 1,613,502 alleles (0.000062%); highest among the groups gnomAD compares: Non-Finnish European, 0.000085%; no homozygotes.

Submissions (3):

Labcorp Genetics (formerly Invitae), Labcorp
Classification: Uncertain significance for Arrhythmogenic cardiomyopathy with wooly hair and keratoderma; Arrhythmogenic right ventricular dysplasia 8. Last evaluated: 2025-09-14. Review status: criteria provided, single submitter. Criteria: Invitae Variant Classification Sherloc (09022015). Collection method: clinical testing. Allele origin: germline.
Comment: This sequence change replaces tyrosine, which is neutral and polar, with cysteine, which is neutral and slightly polar, at codon 2817 of the DSP protein (p.Tyr2817Cys). This variant is not present in population databases (gnomAD no frequency). This variant has not been reported in the literature in individuals affected with DSP-related conditions. ClinVar contains an entry for this variant (Variation ID: 2925481). An algorithm developed to predict the effect of missense changes on protein structure and function (PolyPhen-2) suggests that this variant is likely to be disruptive. In summary, the available evidence is currently insufficient to determine the role of this variant in disease. Therefore, it has been classified as a Variant of Uncertain Significance.

All of Us Research Program, National Institutes of Health
Classification: Uncertain significance for Arrhythmogenic cardiomyopathy with wooly hair and keratoderma. Last evaluated: 2024-09-23. Review status: criteria provided, single submitter. Criteria: ACMG Guidelines, 2015. Collection method: clinical testing. Allele origin: germline. Inheritance: Autosomal dominant inheritance. Observed: 2 variant alleles, 2 heterozygotes.
Comment: This missense variant replaces tyrosine with cysteine at codon 2817 of the DSP protein. Computational prediction is inconclusive regarding the impact of this variant on protein structure and function (internally defined REVEL score threshold 0.5 < inconclusive < 0.7, PMID: 27666373). To our knowledge, functional studies have not been reported for this variant. This variant has not been reported in individuals affected with DSP-related disorders in the literature. This variant has not been identified in the general population by the Genome Aggregation Database (gnomAD). The available evidence is insufficient to determine the role of this variant in disease conclusively. Therefore, this variant is classified as a Variant of Uncertain Significance.

This study involves interpretation of variants in research participants for the purpose of population health screening. Participant phenotype was not available at the time of variant classification. Additional details can be found in publication PMID: 35346344, PMCID: PMC8962531

Ambry Genetics
Classification: Uncertain significance for Cardiovascular phenotype. Last evaluated: 2024-02-05. Review status: criteria provided, single submitter. Criteria: Ambry Variant Classification Scheme 2023. Collection method: clinical testing. Allele origin: germline.
Comment: The p.Y2817C variant (also known as c.8450A>G), located in coding exon 24 of the DSP gene, results from an A to G substitution at nucleotide position 8450. The tyrosine at codon 2817 is replaced by cysteine, an amino acid with highly dissimilar properties. This amino acid position is conserved. In addition, this alteration is predicted to be deleterious by in silico analysis. Based on the available evidence, the clinical significance of this alteration remains unclear.

NM_004415.4(DSP):c.8450A>G (p.Tyr2817Cys)

Gene: DSP (desmoplakin; plus strand). Cytogenetic location: 6p24.3.
Variant type: single nucleotide variant.
Coding change: c.8450A>G on transcript NM_004415.4 (MANE Select); coding-DNA position 8450, A replaced by G.
Protein change: p.Tyr2817Cys; replaces tyrosine 2817 with cysteine.
Molecular consequence: missense variant.
Genome position (GRCh38, 1-based): chr6:7,585,712, A>G. VCF-style: chr6-7585712-A-G. GRCh37 (hg19) VCF-style: chr6-7585945-A-G.
Other names: c.6653A>G, p.Tyr2218Cys (NM_001008844.3); c.7121A>G, p.Tyr2374Cys (NM_001319034.2); short protein forms Y2817C, Y2218C, Y2374C.
Identifiers: ClinVar variation 2925481 (VCV002925481.5), dbSNP rs2533951876, ClinGen allele CA362695173.
Genomic context (GRCh38, chr6:7,585,712, plus strand): 5'-TCACTGGGCTGCGCCTTCTGGAAGCCGCCTCCGTGTCGTCCAAGGGCTTACCCAGCCCTT[A>G]CAACATGTCTTCGGCTCCGGGGTCCCGCTCCGGCTCCCGCTCGGGATCTCGCTCCGGATC-3'
Protein context (NP_004406.2, residues 2807-2827): SVSSKGLPSP[Tyr2817Cys]NMSSAPGSRS